The following is an entry in ClinVar:

ClinVar aggregate classification (germline): Uncertain significance (1 of 4 stars; one submission).

gnomAD v4.1: 17 of 1,613,648 alleles (0.0011%); highest among the groups gnomAD compares: African/African-American, 0.0053%; no homozygotes.

Submission:

Women's Health and Genetics/Laboratory Corporation of America, LabCorp
Classification: Uncertain significance. Last evaluated: 2026-02-27. Review status: criteria provided, single submitter. Criteria: LabCorp Variant Classification Summary - May 2015. Collection method: clinical testing. Allele origin: germline.
Comment: Variant summary: P4HA2 c.1189C>T (p.Arg397X) results in a premature termination codon, predicted to cause a truncation of the encoded protein or absence of the protein due to nonsense mediated decay, however current evidence is not sufficient to establish loss of function as a mechanism for disease. The variant allele was found at a frequency of 8e-06 in 251380 control chromosomes. The available data on variant occurrences in the general population are insufficient to allow any conclusion about variant significance. To our knowledge, no occurrence of c.1189C>T in individuals affected with P4HA2-related conditions and no experimental evidence demonstrating its impact on protein function have been reported. No submitters have cited clinical-significance assessments for this variant to ClinVar. Based on the evidence outlined above, the variant was classified as uncertain significance.

NM_001017974.2(P4HA2):c.1189C>T (p.Arg397Ter)

Gene: P4HA2 (prolyl 4-hydroxylase subunit alpha 2; minus strand). Cytogenetic location: 5q31.1.
Variant type: single nucleotide variant.
Coding change: c.1189C>T on transcript NM_001017974.2 (MANE Select); coding-DNA position 1189, C replaced by T.
Protein change: p.Arg397Ter; replaces arginine 397 with a stop codon.
Molecular consequence: nonsense.
Genome position (GRCh38, 1-based): chr5:132,203,810, G>A on the plus strand (C>T on the coding strand, the complement: P4HA2 is on the minus strand). VCF-style: chr5-132203810-G-A. GRCh37 (hg19) VCF-style: chr5-131539503-G-A.
Other names: c.1189C>T, p.Arg397Ter (NM_001142598.2, NM_001142599.2, NM_001365677.2 and 4 more transcripts); c.1012C>T, p.Arg338Ter (NM_001365681.2); short protein forms R338*, R397*.
Identifiers: ClinVar variation 4848238 (VCV004848238.1).